The following is an entry in ClinVar:

NM_000093.5(COL5A1):c.4573G>A (p.Gly1525Ser)

Genes: COL5A1 (collagen type V alpha 1 chain; plus strand), LOC101448202 (uncharacterized LOC101448202; minus strand). Cytogenetic location: 9q34.3.
Variant type: single nucleotide variant.
Coding change: c.4573G>A on transcript NM_000093.5 (MANE Select); coding-DNA position 4573, G replaced by A.
Protein change: p.Gly1525Ser; replaces glycine 1525 with serine.
Molecular consequence: missense variant.
Genome position (GRCh38, 1-based): chr9:134,822,115, G>A. VCF-style: chr9-134822115-G-A. GRCh37 (hg19) VCF-style: chr9-137713961-G-A.
Other names: c.4573G>A, p.Gly1525Ser (NM_001278074.1); short protein forms G1525S.
Identifiers: ClinVar variation 583278 (VCV000583278.10), dbSNP rs1564484053, ClinGen allele CA375457990.

ClinVar aggregate classification (germline): Uncertain significance (1 of 4 stars; one submission).

Conditions:
Ehlers-Danlos syndrome, classic type, 1 (EDSCL1). Also called: Ehlers-Danlos Syndrome, Classic Type, COL5A1-Related; EDS I; Ehlers-Danlos syndrome, type 1; EHLERS-DANLOS SYNDROME, GRAVIS TYPE; EHLERS-DANLOS SYNDROME, SEVERE CLASSIC TYPE. Identifiers: MedGen C0268335, MONDO:0019567, OMIM 130000.

Submission:

Labcorp Genetics (formerly Invitae), Labcorp
Classification: Uncertain significance for Ehlers-Danlos syndrome, classic type, 1. Last evaluated: 2018-06-25. Review status: criteria provided, single submitter. Criteria: Invitae Variant Classification Sherloc (09022015). Collection method: clinical testing. Allele origin: germline.
Comment: In summary, the available evidence is currently insufficient to determine the role of this variant in disease. Therefore, it has been classified as a Variant of Uncertain Significance. Glycine residues within the Gly-Xaa-Yaa repeats of the triple helix domain are required for the structure and stability of fibrillar collagens (PMID: 7695699, 8218237, 19344236), and missense variants at these glycine residues in COL5A1 are more frequently observed in individuals with disease than in the general population (PMID: 22696272, 23587214). However, the clinical significance of this observation remains uncertain since only a limited number of affected individuals have been described to date. Algorithms developed to predict the effect of sequence changes on RNA splicing suggest that this variant may create or strengthen a splice site, but this prediction has not been confirmed by published transcriptional studies. This variant has not been reported in the literature in individuals with COL5A1-related disease. This variant is not present in population databases (ExAC no frequency). This sequence change replaces glycine with serine at codon 1525 of the COL5A1 protein (p.Gly1525Ser). The glycine residue is highly conserved and there is a small physicochemical difference between glycine and serine.

Literature cited by the submitters: PubMed 7695699; PubMed 8218237; PubMed 19344236; PubMed 22696272; PubMed 23587214.